The following is an entry in ClinVar:

NM_005029.4(PITX3):c.456G>T (p.Ser152=)

Genes: GBF1 (golgi brefeldin A resistant guanine nucleotide exchange factor 1; plus strand), PITX3 (paired like homeodomain 3; minus strand). Cytogenetic location: 10q24.32.
Variant type: single nucleotide variant.
Coding change: c.456G>T on transcript NM_005029.4 (MANE Select); coding-DNA position 456, G replaced by T.
Protein change: p.Ser152=; no amino-acid change (serine 152 retained).
Molecular consequence: synonymous variant. On other transcripts: intron variant (2).
Genome position (GRCh38, 1-based): chr10:102,230,967, C>A on the plus strand (G>T on the coding strand, the complement: PITX3 is on the minus strand). VCF-style: chr10-102230967-C-A. GRCh37 (hg19) VCF-style: chr10-103990724-C-A.
Other names: c.-149+51C>A (NM_001391924.1); c.-11+51C>A (NM_001391923.1).
Identifiers: ClinVar variation 3352583 (VCV003352583.1).

ClinVar aggregate classification (germline): Likely benign (0 of 4 stars; one submission).

Conditions:
PITX3-related disorder. Also called: PITX3-related condition.

gnomAD v4.1: 4 of 1,607,550 alleles (0.00025%); highest among the groups gnomAD compares: Admixed American, 0.0067%; no homozygotes.

Submission:

PreventionGenetics, part of Exact Sciences
Classification: Likely benign for PITX3-related condition. Last evaluated: 2024-03-05. Review status: no assertion criteria provided. Collection method: clinical testing. Allele origin: germline.
Comment: This variant is classified as likely benign based on ACMG/AMP sequence variant interpretation guidelines (Richards et al. 2015 PMID: 25741868, with internal and published modifications).